The following is an entry in ClinVar:

NM_001276345.2(TNNT2):c.852-3C>A

Gene: TNNT2 (troponin T2, cardiac type; minus strand). Cytogenetic location: 1q32.1.
Variant type: single nucleotide variant.
Coding change: c.852-3C>A on transcript NM_001276345.2 (MANE Select); 3 bases into the intron before coding-DNA position 852, C replaced by A.
Molecular consequence: intron variant.
Genome position (GRCh38, 1-based): chr1:201,359,258, G>T on the plus strand (C>A on the coding strand, the complement: TNNT2 is on the minus strand). VCF-style: chr1-201359258-G-T. GRCh37 (hg19) VCF-style: chr1-201328386-G-T.
Other names: c.804-3C>A (NM_001001432.3); c.813-3C>A (NM_001001431.3); c.822-3C>A (NM_001001430.3, NM_001276347.2); c.723-3C>A (NM_001276346.2); c.843-3C>A (NM_000364.4).
Identifiers: ClinVar variation 1806020 (VCV001806020.3), dbSNP rs749454768, ClinGen allele CA923726198.

ClinVar aggregate classification (germline): Uncertain significance. Review status: criteria provided, multiple submitters, no conflicts (2 of 4 stars). 3 submissions from 3 submitters: Uncertain significance (3). Last evaluated 2025-09-03.

Conditions:
Dilated cardiomyopathy 1D. Identifiers: Orphanet 154, Orphanet 54260, MedGen C1832243, MONDO:0011095, OMIM 601494.
Cardiomyopathy, familial restrictive, 3. Identifiers: Orphanet 75249, MedGen C2676271, MONDO:0012900, OMIM 612422.
Hypertrophic cardiomyopathy 2. Also called: TNNT2-Related Familial Hypertrophic Cardiomyopathy. Identifiers: MedGen C1861864, MONDO:0007266, OMIM 115195.
Cardiomyopathy (CMYO). Also called: Cardiomyopathies. Identifiers: Orphanet 167848, MedGen C0878544, MONDO:0004994, HP:0001638. Inheritance: Various modes of inheritance.

gnomAD v4.1: 20 of 1,610,542 alleles (0.0012%); highest among the groups gnomAD compares: Non-Finnish European, 0.0017%; no homozygotes.

Submissions (3):

Labcorp Genetics (formerly Invitae), Labcorp
Classification: Uncertain significance for Cardiomyopathy, familial restrictive, 3; Hypertrophic cardiomyopathy 2; Dilated cardiomyopathy 1D. Last evaluated: 2025-09-03. Review status: criteria provided, single submitter. Criteria: Invitae Variant Classification Sherloc (09022015). Collection method: clinical testing. Allele origin: germline.
Comment: This sequence change falls in intron 15 of the TNNT2 gene. It does not directly change the encoded amino acid sequence of the TNNT2 protein. It affects a nucleotide within the consensus splice site. This variant is not present in population databases (gnomAD no frequency). This variant has been observed in individual(s) with hypertrophic cardiomyopathy (PMID: 25351510, 25849606). ClinVar contains an entry for this variant (Variation ID: 1806020). Variants that disrupt the consensus splice site are a relatively common cause of aberrant splicing (PMID: 17576681, 9536098). Algorithms developed to predict the effect of sequence changes on RNA splicing suggest that this variant may disrupt the consensus splice site. In summary, the available evidence is currently insufficient to determine the role of this variant in disease. Therefore, it has been classified as a Variant of Uncertain Significance.

All of Us Research Program, National Institutes of Health
Classification: Uncertain significance for Cardiomyopathy. Last evaluated: 2023-09-17. Review status: criteria provided, single submitter. Criteria: ACMG Guidelines, 2015. Collection method: clinical testing. Allele origin: germline. Inheritance: Autosomal dominant inheritance. Observed: 1 variant allele, 1 heterozygote.
Comment: This variant causes a C to A nucleotide substitution at the -3 position of intron 15 of the TNNT2 gene. Splice site prediction tools suggest that this variant may have a significant impact on RNA splicing. A functional mini-gene assay has shown that this variant may cause abnormal splicing (PMID: 25849606). This variant has been reported in an individual affected with hypertrophic cardiomyopathy (PMID: 23396983, 25351510) and in an individual affected with cardiomyopathy (PMID: 25849606). This variant has not been identified in the general population by the Genome Aggregation Database (gnomAD). The available evidence is insufficient to determine the role of this variant in disease conclusively. Therefore, this variant is classified as a Variant of Uncertain Significance.

This study involves interpretation of variants in research participants for the purpose of population health screening. Participant phenotype was not available at the time of variant classification. Additional details can be found in publication PMID: 35346344, PMCID: PMC8962531

Victorian Clinical Genetics Services, Murdoch Childrens Research Institute
Classification: Uncertain significance for Hypertrophic cardiomyopathy 2. Last evaluated: 2020-05-26. Review status: criteria provided, single submitter. Criteria: ACMG Guidelines, 2015. Collection method: clinical testing. Allele origin: germline. Inheritance: Autosomal dominant inheritance.
Comment: Based on the classification scheme VCGS_Germline_v1.1.1, this variant is classified as a 3A-VUS. Following criteria are met: 0104 - Dominant Negative is a mechanism of disease for this gene (PMID:18612386). (N) 0107 - This gene is known to be associated with autosomal dominant disease. (N) 0209 - Non-canonical splice variant located in inton 15 of 15, proven to affect splicing/expression of the transcript with uncertain effect on protein structure (PMID:25849606). (P) 0251 - Variant is heterozygous. (N) 0301 - Variant is absent from gnomAD. (P) 0505 - Abnormal splicing is predicted by in silico tools and affected nucleotide has low conservation. (P) 0705 - No comparable variants have previous evidence for pathogenicity. (N) 0803 - Low previous evidence of pathogenicity in unrelated individuals. This variant has previously been reported in patients with hypertrophic cardiomyopathy (PMID:23396983; PMID:25849606) (P) 1208 - Inheritance information for this variant is not currently available. (N) Legend: (P) - Pathogenic, (N) - Neutral, (B) - Benign

Literature cited by the submitters: PubMed 25351510 (cited by Labcorp Genetics (formerly Invitae), Labcorp and All of Us Research Program, National Institutes of Health); PubMed 25849606 (cited by 3 submitters); PubMed 17576681 (cited by Labcorp Genetics (formerly Invitae), Labcorp); PubMed 9536098 (cited by Labcorp Genetics (formerly Invitae), Labcorp); PubMed 23396983 (cited by All of Us Research Program, National Institutes of Health and Victorian Clinical Genetics Services, Murdoch Childrens Research Institute); PubMed 18612386 (cited by Victorian Clinical Genetics Services, Murdoch Childrens Research Institute).